The following is an entry in ClinVar:

ClinVar aggregate classification (germline): Benign/Likely benign. Review status: criteria provided, multiple submitters, no conflicts (2 of 4 stars). 9 submissions from 9 submitters: Benign (7); Likely benign (1). 1 of the submissions does not count toward it. Last evaluated 2026-02-03.

Conditions:
Cardiovascular phenotype. Identifiers: MedGen CN230736.
Alstrom syndrome (ALMS). Identifiers: Orphanet 64, MedGen C0268425, MONDO:0008763, OMIM 203800.

Allele frequency attached by ClinVar (database versions not stated): gnomAD exomes 0.00199 and 0.00505; ExAC 0.00609; 1000 Genomes Project 0.01917; gnomAD 0.01962 and 0.02099; ESP Exome Variant Server 0.02122; 1000 Genomes Project 30x 0.02124; TOPMed 0.02203.
gnomAD v4.1: 6,025 of 1,614,028 alleles (0.37%); highest among the groups gnomAD compares: African/African-American, 6.4%; 178 homozygotes.

Submissions (9):

Labcorp Genetics (formerly Invitae), Labcorp
Classification: Benign for Alstrom syndrome. Last evaluated: 2026-02-03. Review status: criteria provided, single submitter. Criteria: Invitae Variant Classification Sherloc (09022015). Collection method: clinical testing. Allele origin: germline.

Blueprint Genetics
Classification: Likely benign. Last evaluated: 2024-11-26. Review status: criteria provided, single submitter. Criteria: ACMG Guidelines, 2015. Collection method: clinical testing. Allele origin: germline.

ARUP Laboratories, Molecular Genetics and Genomics, ARUP Laboratories
Classification: Benign for Alstrom syndrome. Last evaluated: 2024-11-12. Review status: criteria provided, single submitter. Criteria: ARUP Molecular Germline Variant Investigation Process 2024. Collection method: clinical testing. Allele origin: germline.

Ambry Genetics
Classification: Benign for Cardiovascular phenotype. Last evaluated: 2018-12-24. Review status: criteria provided, single submitter. Criteria: Ambry Variant Classification Scheme 2023. Collection method: clinical testing. Allele origin: germline.

GeneDx
Classification: Benign. Last evaluated: 2016-10-12. Review status: criteria provided, single submitter. Criteria: GeneDx Variant Classification (06012015). Collection method: clinical testing. Allele origin: germline. Affected: yes.
Comment: This variant is considered likely benign or benign based on one or more of the following criteria: it is a conservative change, it occurs at a poorly conserved position in the protein, it is predicted to be benign by multiple in silico algorithms, and/or has population frequency not consistent with disease.

Laboratory for Molecular Medicine, Mass General Brigham Personalized Medicine
Classification: Benign. Last evaluated: 2016-03-21. Review status: criteria provided, single submitter. Criteria: LMM Criteria. Collection method: clinical testing. Allele origin: germline. Observed: 4 variant alleles.
Comment: p.Glu3840Glu in exon 16 of ALMS1: This variant is not expected to have clinical significance because it does not alter an amino acid residue, is not located wit hin the splice consensus sequence, and has been identified in 6.48% (622/9602) o f African chromosomes by the Exome Aggregation Consortium (ExAC; dbSNP rs35760114).

Women's Health and Genetics/Laboratory Corporation of America, LabCorp
Classification: Benign. Last evaluated: 2016-02-15. Review status: criteria provided, single submitter. Criteria: LabCorp Variant Classification Summary - May 2015. Collection method: clinical testing. Allele origin: germline.
Comment: Variant summary: ALMS1 c.11520G>A (alternative name c.11526G>A) affects a non-conserved nucleotide, resulting in a synonymous change. 3/5 programs in Alamut predict that this variant does not affect normal splicing. This variant was found in 723/118816 control chromosomes at a frequency of 0.006085, predominantly observed in African subpopulation in ExAC with MAF of 0.06478 with 21 homozygotes. This frequency exceeds the maximal expected frequency of a pathogenic allele (0.0022361), suggesting this variant is benign especially for Africans. This variant, to our knowledge, has not been reported in affected individuals via publications. One clinical laboratory (via ClinVar) classified this variant as benign, without evidence to independently evaluate. Taken together, this variant was classified as benign.

Breakthrough Genomics
Classification: Benign. Review status: criteria provided, single submitter. Criteria: ACMG Guidelines, 2015. Collection method: not provided. Allele origin: germline. Inheritance: Autosomal recessive inheritance. Affected: yes.

Natera, Inc.
Classification: Benign for Alstrom syndrome. Last evaluated: 2020-09-16. Review status: no assertion criteria provided. Collection method: clinical testing. Allele origin: germline. Not counted in ClinVar's aggregate classification.

NM_001378454.1(ALMS1):c.11523G>A (p.Glu3841=)

Gene: ALMS1 (ALMS1 centrosome and basal body associated protein; plus strand). Cytogenetic location: 2p13.1.
Variant type: single nucleotide variant.
Coding change: c.11523G>A on transcript NM_001378454.1 (MANE Select); coding-DNA position 11523, G replaced by A.
Protein change: p.Glu3841=; no amino-acid change (glutamic acid 3841 retained).
Molecular consequence: synonymous variant.
Genome position (GRCh38, 1-based): chr2:73,573,400, G>A. VCF-style: chr2-73573400-G-A. GRCh37 (hg19) VCF-style: chr2-73800527-G-A.
Other names: c.11526G>A, p.Glu3842= (NM_015120.4).
Identifiers: ClinVar variation 220881 (VCV000220881.22), dbSNP rs35760114, ClinGen allele CA348207.